The following is an entry in ClinVar:

ClinVar aggregate classification (germline): Likely benign (1 of 4 stars; one submission).

Allele frequency attached by ClinVar (database versions not stated): TOPMed 0.00037; gnomAD 0.00063; ESP Exome Variant Server 0.00069; ExAC 0.00139; 1000 Genomes Project 30x 0.00156; 1000 Genomes Project 0.00180.
gnomAD v4.1: 1,233 of 1,614,068 alleles (0.076%); highest among the groups gnomAD compares: East Asian, 1.6%; 14 homozygotes.

Submission:

CeGaT Center for Human Genetics Tuebingen
Classification: Likely benign. Last evaluated: 2022-11-01. Review status: criteria provided, single submitter. Criteria: CeGaT Center For Human Genetics Tuebingen Variant Classification Criteria Version 2. Collection method: clinical testing. Allele origin: germline. Affected: yes. Observed: 1 variant allele.
Comment: SEC31A: BP4

NM_001077207.4(SEC31A):c.1368T>G (p.Asn456Lys)

Gene: SEC31A (SEC31 homolog A, COPII component; minus strand). Cytogenetic location: 4q21.22.
Variant type: single nucleotide variant.
Coding change: c.1368T>G on transcript NM_001077207.4 (MANE Select); coding-DNA position 1368, T replaced by G.
Protein change: p.Asn456Lys; replaces asparagine 456 with lysine.
Molecular consequence: missense variant.
Genome position (GRCh38, 1-based): chr4:82,864,428, A>C on the plus strand (T>G on the coding strand, the complement: SEC31A is on the minus strand). VCF-style: chr4-82864428-A-C. GRCh37 (hg19) VCF-style: chr4-83785581-A-C.
Other names: c.1368T>G, p.Asn456Lys (NM_001400221.1, NM_001400222.1, NM_001400223.1 and 48 more transcripts); c.894T>G, p.Asn298Lys (NM_001400224.1); c.1353T>G, p.Asn451Lys (NM_001191049.2, NM_001400212.1, NM_001400214.1); c.1206T>G, p.Asn402Lys (NM_001400215.1); short protein forms N298K, N402K, N451K, N456K.
Identifiers: ClinVar variation 2654852 (VCV002654852.24), dbSNP rs3797036, ClinGen allele CA2986641.